The following is an entry in ClinVar:

ClinVar aggregate classification (germline): Uncertain significance. Review status: criteria provided, multiple submitters, no conflicts (2 of 4 stars). 2 submissions from 2 submitters: Uncertain significance (2). Last evaluated 2024-10-22.

Conditions:
Inborn genetic diseases. Identifiers: MedGen C0950123, MeSH D030342.

Allele frequency attached by ClinVar (database versions not stated): ExAC 0.00002.
gnomAD v4.1: 8 of 1,614,082 alleles (0.0005%); highest among the groups gnomAD compares: Non-Finnish European, 0.00068%; no homozygotes.

Submissions (2):

Ambry Genetics
Classification: Uncertain significance for Inborn genetic diseases. Last evaluated: 2024-10-22. Review status: criteria provided, single submitter. Criteria: Ambry Variant Classification Scheme 2023. Collection method: clinical testing. Allele origin: germline.

Labcorp Genetics (formerly Invitae), Labcorp
Classification: Uncertain significance. Last evaluated: 2022-04-19. Review status: criteria provided, single submitter. Criteria: Invitae Variant Classification Sherloc (09022015). Collection method: clinical testing. Allele origin: germline.
Comment: This sequence change replaces arginine, which is basic and polar, with leucine, which is neutral and non-polar, at codon 325 of the MCM3AP protein (p.Arg325Leu). This variant is present in population databases (rs756385407, gnomAD 0.002%). This variant has not been reported in the literature in individuals affected with MCM3AP-related conditions. Algorithms developed to predict the effect of missense changes on protein structure and function are either unavailable or do not agree on the potential impact of this missense change (SIFT: "Deleterious"; PolyPhen-2: "Probably Damaging"; Align-GVGD: "Class C0"). In summary, the available evidence is currently insufficient to determine the role of this variant in disease. Therefore, it has been classified as a Variant of Uncertain Significance.

NM_003906.5(MCM3AP):c.974G>T (p.Arg325Leu)

Gene: MCM3AP (minichromosome maintenance complex component 3 associated protein; minus strand). Cytogenetic location: 21q22.3.
Variant type: single nucleotide variant.
Coding change: c.974G>T on transcript NM_003906.5 (MANE Select); coding-DNA position 974, G replaced by T.
Protein change: p.Arg325Leu; replaces arginine 325 with leucine.
Molecular consequence: missense variant.
Genome position (GRCh38, 1-based): chr21:46,284,313, C>A on the plus strand (G>T on the coding strand, the complement: MCM3AP is on the minus strand). VCF-style: chr21-46284313-C-A. GRCh37 (hg19) VCF-style: chr21-47704227-C-A.
Other names: c.974G>T (NM_003906.3); short protein forms R325L.
Identifiers: ClinVar variation 1953827 (VCV001953827.3), dbSNP rs756385407, ClinGen allele CA10077220.
Genomic context (GRCh38, chr21:46,284,313, plus strand): 5'-ACATCCTGTATCGTCCGACCAAATAAAGTACCTCCCCGGGGTCGATTCAGGCGGACAGGT[C>A]GTTTGTCTGGAGGATGATCGCCCCGGGACAGAGGATCCGAATCTTCTGCTGGCTCGTGGC-3'
Protein context (NP_003897.2, residues 315-335): LSRGDHPPDK[Arg325Leu]PVRLNRPRGG